The following is an entry in ClinVar:

NM_000088.4(COL1A1):c.1082G>A (p.Arg361Gln)

Gene: COL1A1 (collagen type I alpha 1 chain; minus strand). Cytogenetic location: 17q21.33.
Variant type: single nucleotide variant.
Coding change: c.1082G>A on transcript NM_000088.4 (MANE Select); coding-DNA position 1082, G replaced by A.
Protein change: p.Arg361Gln; replaces arginine 361 with glutamine.
Molecular consequence: missense variant.
Genome position (GRCh38, 1-based): chr17:50,195,640, C>T on the plus strand (G>A on the coding strand, the complement: COL1A1 is on the minus strand). VCF-style: chr17-50195640-C-T. GRCh37 (hg19) VCF-style: chr17-48273001-C-T.
Other names: short protein forms R361Q.
Identifiers: ClinVar variation 2502709 (VCV002502709.5), dbSNP rs1253450294, ClinGen allele CA400220092.

ClinVar aggregate classification (germline): Uncertain significance. Review status: criteria provided, multiple submitters, no conflicts (2 of 4 stars). 3 submissions from 3 submitters: Uncertain significance (3). Last evaluated 2025-09-22.

Conditions:
Ehlers-Danlos syndrome, arthrochalasia type. Also called: Ehlers-Danlos syndrome, arthrochalasia type, 1; ARTHROCHALASIS MULTIPLEX CONGENITA; EDS VII, MUTANT PROCOLLAGEN TYPE; EDS VIIA; Ehlers-Danlos syndrome, arthrochalasis type. Identifiers: Orphanet 1899, Orphanet 99875, Orphanet 99876, MedGen C4551623, MONDO:0007525, OMIM 130060.
Osteogenesis imperfecta type I (OI1). Also called: Lobstein's Disease; Osteogenesis imperfecta type 1; Classic Non-deforming Osteogenesis Imperfecta with Blue Sclerae; Lobstein disease; OI, TYPE I; OSTEOGENESIS IMPERFECTA TARDA. Identifiers: Orphanet 216796, Orphanet 666, MedGen C0023931, MONDO:0008146, OMIM 166200. Disease mechanism: loss of function.

Allele frequency attached by ClinVar (database versions not stated): gnomAD exomes 0.00001; TOPMed 0.00002.
gnomAD v4.1: 15 of 1,613,626 alleles (0.00093%); highest among the groups gnomAD compares: East Asian, 0.0022%; no homozygotes.

Submissions (3):

Institute of Human Genetics, University of Goettingen
Classification: Uncertain significance for Ehlers-Danlos syndrome, arthrochalasia type. Last evaluated: 2025-09-22. Review status: criteria provided, single submitter. Criteria: ACMG Guidelines, 2015. Collection method: clinical testing. Allele origin: germline. Inheritance: Autosomal dominant inheritance. Affected: yes. Observed: 1 heterozygote.
Comment: The COL1A1 variant is classified as a VUS with potential pathogenic relevance. It is absent from gnomAD [PM2], but listed in LOVD as VUS and likely pathogenic. It affects a highly conserved residue within a functional domain [PM1], with a different pathogenic variant known at the same position [PM5]. Most in silico tools (10/15) predict a deleterious effect [PP3]. The molecular findings match aspects of the patient's phenotype. ACMG criteria: PM1, PM2, PM5, PP2, PP3.

Labcorp Genetics (formerly Invitae), Labcorp
Classification: Uncertain significance for Osteogenesis imperfecta type I. Last evaluated: 2024-01-29. Review status: criteria provided, single submitter. Criteria: Invitae Variant Classification Sherloc (09022015). Collection method: clinical testing. Allele origin: germline.
Comment: This sequence change replaces arginine, which is basic and polar, with glutamine, which is neutral and polar, at codon 361 of the COL1A1 protein (p.Arg361Gln). This variant is present in population databases (no rsID available, gnomAD 0.002%). This variant has not been reported in the literature in individuals affected with COL1A1-related conditions. ClinVar contains an entry for this variant (Variation ID: 2502709). Advanced modeling of protein sequence and biophysical properties (such as structural, functional, and spatial information, amino acid conservation, physicochemical variation, residue mobility, and thermodynamic stability) has been performed at Invitae for this missense variant, however the output from this modeling did not meet the statistical confidence thresholds required to predict the impact of this variant on COL1A1 protein function. In summary, the available evidence is currently insufficient to determine the role of this variant in disease. Therefore, it has been classified as a Variant of Uncertain Significance.

GeneDx
Classification: Uncertain significance. Last evaluated: 2022-11-17. Review status: criteria provided, single submitter. Criteria: GeneDx Variant Classification Process June 2021. Collection method: clinical testing. Allele origin: germline. Affected: yes.
Comment: Has not been previously published as pathogenic or benign to our knowledge; Not observed at significant frequency in large population cohorts (gnomAD); Occurs in the triple helical domain at the Y position in the canonical Gly-X-Y repeat; although this variant may have an effect on normal protein folding and function, missense substitution at the Y position is not a common mechanism of disease (HGMD); In silico analysis supports that this missense variant does not alter protein structure/function